The following is an entry in ClinVar:

ClinVar aggregate classification (germline): Uncertain significance (1 of 4 stars; one submission).

Submission:

Ambry Genetics
Classification: Uncertain significance. Last evaluated: 2022-03-23. Review status: criteria provided, single submitter. Criteria: Ambry Variant Classification Scheme 2023. Collection method: clinical testing. Allele origin: germline.
Comment: The p.R90L variant (also known as c.269G>T), located in coding exon 1 of the TERF2IP gene, results from a G to T substitution at nucleotide position 269. The arginine at codon 90 is replaced by leucine, an amino acid with dissimilar properties. This amino acid position is conserved. In addition, this alteration is predicted to be tolerated by in silico analysis. Since supporting evidence is limited at this time, the clinical significance of this alteration remains unclear.

NM_018975.4(TERF2IP):c.269G>T (p.Arg90Leu)

Gene: TERF2IP (TERF2 interacting protein; plus strand). Cytogenetic location: 16q23.1.
Variant type: single nucleotide variant.
Coding change: c.269G>T on transcript NM_018975.4 (MANE Select); coding-DNA position 269, G replaced by T.
Protein change: p.Arg90Leu; replaces arginine 90 with leucine.
Molecular consequence: missense variant. On other transcripts: non-coding transcript variant (1).
Genome position (GRCh38, 1-based): chr16:75,648,151, G>T. VCF-style: chr16-75648151-G-T. GRCh37 (hg19) VCF-style: chr16-75682049-G-T.
Other names: short protein forms R90L.
Identifiers: ClinVar variation 1794888 (VCV001794888.2), dbSNP rs780130428, ClinGen allele CA396817565.